The following is an entry in ClinVar:

NM_006231.4(POLE):c.1721T>C (p.Val574Ala)

Gene: POLE (DNA polymerase epsilon, catalytic subunit; minus strand). Cytogenetic location: 12q24.33.
Variant type: single nucleotide variant.
Coding change: c.1721T>C on transcript NM_006231.4 (MANE Select); coding-DNA position 1721, T replaced by C.
Protein change: p.Val574Ala; replaces valine 574 with alanine.
Molecular consequence: missense variant.
Genome position (GRCh38, 1-based): chr12:132,672,288, A>G on the plus strand (T>C on the coding strand, the complement: POLE is on the minus strand). VCF-style: chr12-132672288-A-G. GRCh37 (hg19) VCF-style: chr12-133248874-A-G.
Other names: short protein forms V574A.
Identifiers: ClinVar variation 1778778 (VCV001778778.8), dbSNP rs2135990877, ClinGen allele CA387356358.
Genomic context (GRCh38, chr12:132,672,288, plus strand): 5'-GTGACTTGCTCCACAGGCACTTTCTCCTCTTCCTCAAGGGCGTGGCGCAAGGTCTTCTCA[A>G]CCCGCTGCAGCAGGAAGTCAAAGGCGGCAGGATTCTAGCACAACAGTGAGACGACGGGGT-3'
Protein context (NP_006222.2, residues 564-584): PAAFDFLLQR[Val574Ala]EKTLRHALEE

ClinVar aggregate classification (germline): Uncertain significance. Review status: criteria provided, multiple submitters, no conflicts (2 of 4 stars). 2 submissions from 2 submitters: Uncertain significance (2). Last evaluated 2026-01-10.

Conditions:
Hereditary cancer-predisposing syndrome. Also called: Neoplastic Syndromes, Hereditary; Tumor predisposition; Hereditary Cancer Syndrome; Hereditary neoplastic syndrome. Identifiers: Orphanet 140162, MedGen C0027672, MeSH D009386, MONDO:0015356.

Allele frequency attached by ClinVar (database versions not stated): gnomAD exomes below 0.00001.
gnomAD v4.1: 2 of 1,613,974 alleles (0.00012%); highest among the groups gnomAD compares: Non-Finnish European, 0.00017%; no homozygotes.

Submissions (2):

Labcorp Genetics (formerly Invitae), Labcorp
Classification: Uncertain significance. Last evaluated: 2026-01-10. Review status: criteria provided, single submitter. Criteria: Invitae Variant Classification Sherloc (09022015). Collection method: clinical testing. Allele origin: germline.
Comment: This sequence change replaces valine, which is neutral and non-polar, with alanine, which is neutral and non-polar, at codon 574 of the POLE protein (p.Val574Ala). This variant is not present in population databases (gnomAD no frequency). This variant has not been reported in the literature in individuals affected with POLE-related conditions. ClinVar contains an entry for this variant (Variation ID: 1778778). Invitae Evidence Modeling of protein sequence and biophysical properties (such as structural, functional, and spatial information, amino acid conservation, physicochemical variation, residue mobility, and thermodynamic stability) indicates that this missense variant is not expected to disrupt POLE protein function with a negative predictive value of 80%. In summary, the available evidence is currently insufficient to determine the role of this variant in disease. Therefore, it has been classified as a Variant of Uncertain Significance.

Ambry Genetics
Classification: Uncertain significance for Hereditary cancer-predisposing syndrome. Last evaluated: 2025-08-30. Review status: criteria provided, single submitter. Criteria: Ambry Variant Classification Scheme 2023. Collection method: clinical testing. Allele origin: germline.
Comment: The p.V574A variant (also known as c.1721T>C), located in coding exon 16 of the POLE gene, results from a T to C substitution at nucleotide position 1721. The valine at codon 574 is replaced by alanine, an amino acid with similar properties. This amino acid position is conserved. In addition, the in silico prediction for this alteration is inconclusive. Since supporting evidence is limited at this time, the clinical significance of this alteration remains unclear.